The following is an entry in ClinVar:

NM_014049.5(ACAD9):c.1359-1G>A

Gene: ACAD9 (acyl-CoA dehydrogenase family member 9; plus strand). Cytogenetic location: 3q21.3.
Variant type: single nucleotide variant.
Coding change: c.1359-1G>A on transcript NM_014049.5 (MANE Select); the canonical splice acceptor site of the intron before coding-DNA position 1359, G replaced by A.
Molecular consequence: splice acceptor variant.
Genome position (GRCh38, 1-based): chr3:128,908,972, G>A. VCF-style: chr3-128908972-G-A. GRCh37 (hg19) VCF-style: chr3-128627815-G-A.
Other names: c.990-1G>A (NM_001410805.1).
Identifiers: ClinVar variation 2910174 (VCV002910174.5), dbSNP rs2529278964, ClinGen allele CA354438181.

ClinVar aggregate classification (germline): Pathogenic/Likely pathogenic. Review status: criteria provided, multiple submitters, no conflicts (2 of 4 stars). 3 submissions from 3 submitters: Pathogenic (2); Likely pathogenic (1). Last evaluated 2024-03-21.

Conditions:
Acyl-CoA dehydrogenase 9 deficiency. Also called: Acyl-CoA dehydrogenase family, member 9, deficiency of; MITOCHONDRIAL COMPLEX I DEFICIENCY, NUCLEAR TYPE 20. Identifiers: Orphanet 99901, MedGen C4747517, MONDO:0012624, OMIM 611126.

Submissions (3):

Fulgent Genetics
Classification: Likely pathogenic for Acyl-CoA dehydrogenase 9 deficiency. Last evaluated: 2024-03-21. Review status: criteria provided, single submitter. Criteria: ACMG Guidelines, 2015. Collection method: clinical testing. Allele origin: germline.

Baylor Genetics
Classification: Pathogenic for Acyl-CoA dehydrogenase 9 deficiency. Last evaluated: 2024-02-05. Review status: criteria provided, single submitter. Criteria: ACMG Guidelines, 2015. Collection method: clinical testing. Allele origin: unknown.

Labcorp Genetics (formerly Invitae), Labcorp
Classification: Pathogenic. Last evaluated: 2023-08-18. Review status: criteria provided, single submitter. Criteria: Invitae Variant Classification Sherloc (09022015). Collection method: clinical testing. Allele origin: germline.
Comment: For these reasons, this variant has been classified as Pathogenic. Algorithms developed to predict the effect of sequence changes on RNA splicing suggest that this variant may disrupt the consensus splice site. Disruption of this splice site has been observed in individual(s) with mitochondrial complex I deficiency (PMID: 30025539, 31665838). In at least one individual the data is consistent with being in trans (on the opposite chromosome) from a pathogenic variant. This variant is not present in population databases (gnomAD no frequency). This sequence change affects an acceptor splice site in intron 13 of the ACAD9 gene. It is expected to disrupt RNA splicing. Variants that disrupt the donor or acceptor splice site typically lead to a loss of protein function (PMID: 16199547), and loss-of-function variants in ACAD9 are known to be pathogenic (PMID: 25721401).

Literature cited by the submitters: PubMed 30025539 (cited by Labcorp Genetics (formerly Invitae), Labcorp); PubMed 31665838 (cited by Labcorp Genetics (formerly Invitae), Labcorp); PubMed 16199547 (cited by Labcorp Genetics (formerly Invitae), Labcorp); PubMed 25721401 (cited by Labcorp Genetics (formerly Invitae), Labcorp).